The following is an entry in ClinVar:

NM_182961.4(SYNE1):c.20364C>A (p.His6788Gln)

Gene: SYNE1 (spectrin repeat containing nuclear envelope protein 1; minus strand). Cytogenetic location: 6q25.2.
Variant type: single nucleotide variant.
Coding change: c.20364C>A on transcript NM_182961.4 (MANE Select); coding-DNA position 20364, C replaced by A.
Protein change: p.His6788Gln; replaces histidine 6788 with glutamine.
Molecular consequence: missense variant.
Genome position (GRCh38, 1-based): chr6:152,236,139, G>T on the plus strand (C>A on the coding strand, the complement: SYNE1 is on the minus strand). VCF-style: chr6-152236139-G-T. GRCh37 (hg19) VCF-style: chr6-152557274-G-T.
Other names: c.20151C>A, p.His6717Gln (NM_033071.5); short protein forms H6717Q, H6788Q.
Identifiers: ClinVar variation 2142247 (VCV002142247.1), dbSNP rs2551694289, ClinGen allele CA366121749.

ClinVar aggregate classification (germline): Uncertain significance (1 of 4 stars; one submission).

Conditions:
Autosomal recessive ataxia, Beauce type. Also called: SYNE1-Related Autosomal Recessive Cerebellar Ataxia; Spinocerebellar ataxia, autosomal recessive 8; ATAXIA, RECESSIVE, OF BEAUCE; SYNE1 Deficiency. Identifiers: Orphanet 88644, MedGen C1853116, MONDO:0012549, OMIM 610743.
Emery-Dreifuss muscular dystrophy 4, autosomal dominant (EDMD4). Also called: EMERY-DREIFUSS MUSCULAR DYSTROPHY 4 WITH VARIABLE FEATURES. Identifiers: Orphanet 261, MedGen C2751807, MONDO:0013071, OMIM 612998.

Submission:

Labcorp Genetics (formerly Invitae), Labcorp
Classification: Uncertain significance for Emery-Dreifuss muscular dystrophy 4, autosomal dominant; Autosomal recessive ataxia, Beauce type. Last evaluated: 2022-08-21. Review status: criteria provided, single submitter. Criteria: Invitae Variant Classification Sherloc (09022015). Collection method: clinical testing. Allele origin: germline.
Comment: This sequence change replaces histidine, which is basic and polar, with glutamine, which is neutral and polar, at codon 6717 of the SYNE1 protein (p.His6717Gln). This variant is not present in population databases (gnomAD no frequency). This variant has not been reported in the literature in individuals affected with SYNE1-related conditions. Algorithms developed to predict the effect of missense changes on protein structure and function are either unavailable or do not agree on the potential impact of this missense change (SIFT: "Deleterious"; PolyPhen-2: "Benign"; Align-GVGD: "Class C15"). In summary, the available evidence is currently insufficient to determine the role of this variant in disease. Therefore, it has been classified as a Variant of Uncertain Significance.